The following is an entry in ClinVar:

NM_000312.4(PROC):c.862C>T (p.His288Tyr)

Gene: PROC (protein C, inactivator of coagulation factors Va and VIIIa; plus strand). Cytogenetic location: 2q14.3.
Variant type: single nucleotide variant.
Coding change: c.862C>T on transcript NM_000312.4 (MANE Select); coding-DNA position 862, C replaced by T.
Protein change: p.His288Tyr; replaces histidine 288 with tyrosine.
Molecular consequence: missense variant.
Genome position (GRCh38, 1-based): chr2:127,428,422, C>T. VCF-style: chr2-127428422-C-T. GRCh37 (hg19) VCF-style: chr2-128185998-C-T.
Other names: c.1045C>T, p.His349Tyr (NM_001375602.1); c.1027C>T, p.His343Tyr (NM_001375603.1); c.925C>T, p.His309Tyr (NM_001375604.1); c.964C>T, p.His322Tyr (NM_001375605.1); c.1030C>T, p.His344Tyr (NM_001375606.1); c.1048C>T, p.His350Tyr (NM_001375607.1); c.805C>T, p.His269Tyr (NM_001375608.1); c.838C>T, p.His280Tyr (NM_001375609.1); and 2 more; short protein forms H280Y, H322Y, H343Y, H349Y, H350Y, H288Y, H309Y, H269Y.
Identifiers: ClinVar variation 972699 (VCV000972699.2), dbSNP rs1688667609, ClinGen allele CA348404509.
Genomic context (GRCh38, chr2:127,428,422, plus strand): 5'-TATGACCTGCGGCGCTGGGAGAAGTGGGAGCTGGACCTGGACATCAAGGAGGTCTTCGTC[C>T]ACCCCAACTACAGCAAGAGCACCACCGACAATGACATCGCACTGCTGCACCTGGCCCAGC-3'
Protein context (NP_000303.1, residues 278-298): LDLDIKEVFV[His288Tyr]PNYSKSTTDN

ClinVar aggregate classification (germline): Likely pathogenic (1 of 4 stars; one submission).

Conditions:
Thrombophilia due to protein C deficiency, autosomal dominant. Also called: PROC DEFICIENCY, AUTOSOMAL DOMINANT; PROTEIN C DEFICIENCY, AUTOSOMAL DOMINANT. Identifiers: Orphanet 745, MedGen C2674321, MONDO:0008316, OMIM 176860. Disease mechanism: loss of function.

Allele frequency attached by ClinVar (database versions not stated): gnomAD exomes below 0.00001.
gnomAD v4.1: 1 of 1,614,168 alleles (0.000062%); highest among the groups gnomAD compares: South Asian, 0.0011%; no homozygotes.

Submission:

Institute of Clinical Chemistry and Institute of Clinical Molecular Biology, University Hospital Schleswig-Holstein, Campus Kiel
Classification: Likely pathogenic for Thrombophilia due to protein C deficiency, autosomal dominant. Last evaluated: 2020-06-12. Review status: criteria provided, single submitter. Criteria: ACMG Guidelines, 2015. Collection method: clinical testing. Allele origin: unknown. Inheritance: Autosomal dominant inheritance. Affected: yes.
Comment: The variant is absent from gnomAD/ExAC at the time of evaluation. Other missense variants at amino acid position His288 are associated with protein C deficiency (Caspers et al. 2012). In summary, we classify the variant as likely pathogenic.